The following is an entry in ClinVar:

NM_001079668.3(NKX2-1):c.637C>T (p.Gln213Ter)

Genes: SFTA3 (surfactant associated 3; minus strand), NKX2-1 (NK2 homeobox 1; minus strand). Cytogenetic location: 14q13.3.
Variant type: single nucleotide variant.
Coding change: c.637C>T on transcript NM_001079668.3 (MANE Select); coding-DNA position 637, C replaced by T.
Protein change: p.Gln213Ter; replaces glutamine 213 with a stop codon.
Molecular consequence: nonsense.
Genome position (GRCh38, 1-based): chr14:36,517,847, G>A on the plus strand (C>T on the coding strand, the complement: NKX2-1 is on the minus strand). VCF-style: chr14-36517847-G-A. GRCh37 (hg19) VCF-style: chr14-36987052-G-A.
Other names: c.547C>T, p.Gln183Ter (NM_003317.4); short protein forms Q213*, Q183*.
Identifiers: ClinVar variation 280220 (VCV000280220.2), dbSNP rs886041466, ClinGen allele CA10603316.

ClinVar aggregate classification (germline): Pathogenic (1 of 4 stars; one submission).

Submission:

GeneDx
Classification: Pathogenic. Last evaluated: 2015-12-31. Review status: criteria provided, single submitter. Criteria: GeneDx Variant Classification (06012015). Collection method: clinical testing. Allele origin: germline. Affected: yes.
Comment: The Q213X pathogenic variant in the NKX2-1 gene has not been reported previously as a pathogenic variant nor as a benign variant, to our knowledge. This variant is predicted to cause loss of normal protein function through protein truncation. The Q213X variant was not observed in approximately 6500 individuals of European and African American ancestry in the NHLBI Exome Sequencing Project, indicating it is not a common benign variant in these populations. Protein truncating pathogenic variants downstream of this variant have been reported in the Human Gene Mutation Database in association with NKX2-1-related disorders (Stenson et al., 2014), supporting the pathogenicity of more upstream truncating variants. We interpret Q213X as a pathogenic variant.